The following is an entry in ClinVar:

ClinVar aggregate classification (germline): Uncertain significance. Review status: criteria provided, multiple submitters, no conflicts (2 of 4 stars). 2 submissions from 2 submitters: Uncertain significance (2). Last evaluated 2025-08-13.

Conditions:
Tuberous sclerosis syndrome (TSC). Also called: Tuberous Sclerosis Complex; Tuberous sclerosis. Identifiers: Orphanet 805, MedGen C0041341, MONDO:0001734.
Tuberous sclerosis 1 (TSC1). Identifiers: Orphanet 805, MedGen C1854465, MONDO:0008612, OMIM 191100.

Submissions (2):

Labcorp Genetics (formerly Invitae), Labcorp
Classification: Uncertain significance for Tuberous sclerosis 1. Last evaluated: 2025-08-13. Review status: criteria provided, single submitter. Criteria: Invitae Variant Classification Sherloc (09022015). Collection method: clinical testing. Allele origin: germline.
Comment: This sequence change replaces glutamine, which is neutral and polar, with leucine, which is neutral and non-polar, at codon 956 of the TSC1 protein (p.Gln956Leu). This variant is not present in population databases (gnomAD no frequency). This variant has not been reported in the literature in individuals affected with TSC1-related conditions. ClinVar contains an entry for this variant (Variation ID: 466102). Invitae Evidence Modeling of protein sequence and biophysical properties (such as structural, functional, and spatial information, amino acid conservation, physicochemical variation, residue mobility, and thermodynamic stability) indicates that this missense variant is not expected to disrupt TSC1 protein function with a negative predictive value of 95%. In summary, the available evidence is currently insufficient to determine the role of this variant in disease. Therefore, it has been classified as a Variant of Uncertain Significance.

Color Diagnostics, LLC DBA Color Health
Classification: Uncertain significance for Tuberous sclerosis syndrome. Last evaluated: 2025-06-29. Review status: criteria provided, single submitter. Criteria: ACMG Guidelines, 2015. Collection method: clinical testing. Allele origin: germline.
Comment: This missense variant replaces glutamine with leucine at codon 956 of the TSC1 protein. Computational prediction suggests that this variant may not impact protein structure and function. To our knowledge, functional studies have not been reported for this variant. This variant has not been reported in individuals affected with TSC1-related disorders in the literature. This variant has not been identified in the general population by the Genome Aggregation Database (gnomAD). The available evidence is insufficient to determine the role of this variant in disease conclusively. Therefore, this variant is classified as a Variant of Uncertain Significance.

NM_000368.5(TSC1):c.2867A>T (p.Gln956Leu)

Gene: TSC1 (TSC complex subunit 1; minus strand). Cytogenetic location: 9q34.13.
Variant type: single nucleotide variant.
Coding change: c.2867A>T on transcript NM_000368.5 (MANE Select); coding-DNA position 2867, A replaced by T.
Protein change: p.Gln956Leu; replaces glutamine 956 with leucine.
Molecular consequence: missense variant.
Genome position (GRCh38, 1-based): chr9:132,897,292, T>A on the plus strand (A>T on the coding strand, the complement: TSC1 is on the minus strand). VCF-style: chr9-132897292-T-A. GRCh37 (hg19) VCF-style: chr9-135772679-T-A.
Other names: c.2864A>T, p.Gln955Leu (NM_001162426.2); c.2714A>T, p.Gln905Leu (NM_001162427.2); c.2504A>T, p.Gln835Leu (NM_001362177.2); short protein forms Q956L, Q835L, Q905L, Q955L.
Identifiers: ClinVar variation 466102 (VCV000466102.9), dbSNP rs1212768461, ClinGen allele CA375368831.